The following is an entry in ClinVar:

NM_199420.4(POLQ):c.32G>C (p.Arg11Pro)

Genes: POLQ (DNA polymerase theta; minus strand), LOC112872292 (Sharpr-MPRA regulatory region 30; plus strand). Cytogenetic location: 3q13.33.
Variant type: single nucleotide variant.
Coding change: c.32G>C on transcript NM_199420.4 (MANE Select); coding-DNA position 32, G replaced by C.
Protein change: p.Arg11Pro; replaces arginine 11 with proline.
Molecular consequence: missense variant.
Genome position (GRCh38, 1-based): chr3:121,545,846, C>G on the plus strand (G>C on the coding strand, the complement: POLQ is on the minus strand). VCF-style: chr3-121545846-C-G. GRCh37 (hg19) VCF-style: chr3-121264693-C-G.
Other names: short protein forms R11P.
Identifiers: ClinVar variation 3229925 (VCV003229925.1), dbSNP rs2048530227, ClinGen allele CA354097812.
Genomic context (GRCh38, chr3:121,545,846, plus strand): 5'-GGGCTGGCACTGCTGTCACCGCCGCTTCCCGAGAACGAATCTGAGCCTGATTCTGAACGC[C>G]GCCGTTTCCCACTCCGACGCAGAAGATTCATGGCAAACTCTTCTCGGCCGATCAGGGCAA-3'
Protein context (NP_955452.3, residues 1-21): MNLLRRSGKR[Arg11Pro]RSESGSDSFS

ClinVar aggregate classification (germline): Uncertain significance (1 of 4 stars; one submission).

Submission:

Ambry Genetics
Classification: Uncertain significance. Last evaluated: 2023-11-09. Review status: criteria provided, single submitter. Criteria: Ambry Variant Classification Scheme 2023. Collection method: clinical testing. Allele origin: germline.
Comment: The p.R11P variant (also known as c.32G>C), located in coding exon 1 of the POLQ gene, results from a G to C substitution at nucleotide position 32. The arginine at codon 11 is replaced by proline, an amino acid with dissimilar properties. This amino acid position is conserved. In addition, this alteration is predicted to be tolerated by in silico analysis. Since supporting evidence is limited at this time, the clinical significance of this alteration remains unclear.